The following is an entry in ClinVar:

ClinVar aggregate classification (germline): Pathogenic (1 of 4 stars; one submission).

Submission:

Centre of Medical Genetics, University Hospital Muenster
Classification: Pathogenic. Last evaluated: 2021-12-10. Review status: criteria provided, single submitter. Criteria: ACMG Guidelines, 2015. Collection method: clinical testing. Allele origin: unknown. Affected: yes. Observed: 1 variant allele, 1 heterozygote.
Comment: ACMG categories: PVS1,PM2,PP3

NM_001353345.2(SETD1B):c.480_481insT (p.Val161fs)

Gene: SETD1B (SET domain containing 1B, histone lysine methyltransferase; plus strand). Cytogenetic location: 12q24.31.
Variant type: Insertion.
Coding change: c.480_481insT on transcript NM_001353345.2 (MANE Select); coding-DNA positions 480 to 481, T inserted.
Protein change: p.Val161fs; shifts the reading frame from valine 161.
Molecular consequence: frameshift variant.
Genome position: GRCh38 VCF-style: chr12-121806041-C-CT. GRCh37 (hg19) VCF-style: chr12-122243947-C-CT.
Other names: short protein forms V161fs.
Identifiers: ClinVar variation 1708376 (VCV001708376.2), dbSNP rs2500169389, ClinGen allele CA2580085909.